The following is an entry in ClinVar:

NM_000219.6(KCNE1):c.151C>T (p.Leu51=)

Gene: KCNE1 (potassium voltage-gated channel subfamily E regulatory subunit 1; minus strand). Cytogenetic location: 21q22.12.
Variant type: single nucleotide variant.
Coding change: c.151C>T on transcript NM_000219.6 (MANE Select); coding-DNA position 151, C replaced by T.
Protein change: p.Leu51=; no amino-acid change (leucine 51 retained).
Molecular consequence: synonymous variant.
Genome position (GRCh38, 1-based): chr21:34,449,484, G>A on the plus strand (C>T on the coding strand, the complement: KCNE1 is on the minus strand). VCF-style: chr21-34449484-G-A. GRCh37 (hg19) VCF-style: chr21-35821782-G-A.
Other names: c.151C>T, p.Leu51= (NM_001127668.4, NM_001127669.4, NM_001127670.4 and 4 more transcripts).
Identifiers: ClinVar variation 3374182 (VCV003374182.2).

Conditions:
Long QT syndrome 5 (LQT5). Identifiers: Orphanet 101016, Orphanet 768, MedGen C1867904, MONDO:0013372, OMIM 613695.

Submission:

Roden Lab, Vanderbilt University Medical Center
No classification provided (evidence only). Condition: Long QT syndrome 5. Review status: no classification provided. Collection method: in vitro. Allele origin: not applicable. Functional consequence: Effect on ion channel function.
ClinVar note: "not provided" was previously submitted as the classification for the variant. However, the classification appeared to be based only on an observation of functional data so it was converted to no classification on 2025-07-30.